The following is an entry in ClinVar:

NM_001009999.3(KDM1A):c.1714_1715del (p.Ser572fs)

Gene: KDM1A (lysine demethylase 1A; plus strand). Cytogenetic location: 1p36.12.
Variant type: Microsatellite.
Coding change: c.1714_1715del on transcript NM_001009999.3 (MANE Select); coding-DNA positions 1714 to 1715, 2 bases deleted (TC; older notation c.1714_1715delTC).
Protein change: p.Ser572fs; shifts the reading frame from serine 572.
Molecular consequence: frameshift variant.
Genome position (GRCh38, 1-based): chr1:23,073,383-23,073,384, TC deleted; deleting any 2 consecutive bases within chr1:23,073,378-23,073,384 gives the same sequence; the c. name uses the placement nearest the transcript's 3' end. VCF-style (leftmost placement, unchanged base first): chr1-23073377-ACT-A. GRCh37 (hg19) VCF-style: chr1-23399870-ACT-A.
Other names: c.1660_1661del, p.Ser554fs (NM_001363654.2); c.1720_1721del, p.Ser574fs (NM_001410762.1); c.1642_1643del, p.Ser548fs (NM_001410763.1, NM_015013.4); short protein forms S548fs, S554fs, S572fs, S574fs.
Identifiers: ClinVar variation 3573678 (VCV003573678.1).

ClinVar aggregate classification (germline): Uncertain significance (1 of 4 stars; one submission).

Submission:

GeneDx
Classification: Uncertain significance. Last evaluated: 2024-07-15. Review status: criteria provided, single submitter. Criteria: GeneDx Variant Classification Process June 2021. Collection method: clinical testing. Allele origin: germline. Affected: yes.
Comment: Frameshift variant predicted to result in protein truncation or nonsense mediated decay in a gene or region of a gene for which loss of function is not a well-established mechanism of disease; Has not been previously published as pathogenic or benign to our knowledge